The following is an entry in ClinVar:

NM_001242896.3(DEPDC5):c.3082_3100dup (p.Gly1034fs)

Gene: DEPDC5 (DEP domain containing 5, GATOR1 subcomplex subunit; plus strand). Cytogenetic location: 22q12.3.
Variant type: Duplication.
Coding change: c.3082_3100dup on transcript NM_001242896.3 (MANE Select); coding-DNA positions 3082 to 3100, 19 bases duplicated (TCAACTGCACCCCCAGTGG).
Protein change: p.Gly1034fs; shifts the reading frame from glycine 1034.
Molecular consequence: frameshift variant. On other transcripts: non-coding transcript variant (5).
Genome position (GRCh38, 1-based): chr22:31,846,894-31,846,912, TCAACTGCACCCCCAGTGG duplicated; duplicating any 19 consecutive bases within chr22:31,846,893-31,846,912 gives the same sequence; the c. name uses the placement nearest the transcript's 3' end. VCF-style (leftmost placement, unchanged base first): chr22-31846892-A-AGTCAACTGCACCCCCAGTG. GRCh37 (hg19) VCF-style: chr22-32242878-A-AGTCAACTGCACCCCCAGTG.
Other names: c.3055_3073dup, p.Gly1025fs (NM_001136029.4, NM_001369903.1, NM_014662.6); c.2848_2866dup, p.Gly956fs (NM_001242897.2, NM_001363854.2, NM_001364319.2); c.3082_3100dup, p.Gly1034fs (NM_001363852.2, NM_001364318.2, NM_001364320.2); c.2998_3016dup, p.Gly1006fs (NM_001369901.1, NM_001369902.1); short protein forms G1006fs, G1025fs, G1034fs, G956fs.
Identifiers: ClinVar variation 4874113 (VCV004874113.2).
Genomic context (GRCh38, chr22:31,846,892, plus strand): 5'-AGAAAGGGACCGCCATGAAAGGCTTGCAGATGACTGGGCCCATTTCCACGCATTCTCTGG[A>AGTCAACTGCACCCCCAGTG]GTCAACTGCACCCCCAGTGGGGAAGAAGGGAACCTCAGCTCTCTCTGCCCTGTTGGAGAT-3'

ClinVar aggregate classification (germline): Pathogenic (1 of 4 stars; one submission).

Submission:

CeGaT Center for Human Genetics Tuebingen
Classification: Pathogenic. Last evaluated: 2026-06-01. Review status: criteria provided, single submitter. Criteria: CeGaT Center For Human Genetics Tuebingen Variant Classification Criteria Version 2. Collection method: clinical testing. Allele origin: germline. Affected: yes. Observed: 1 variant allele.
Comment: DEPDC5: PVS1, PM2